The following is an entry in ClinVar:

NM_000557.5(GDF5):c.1144del (p.Ala382fs)

Genes: GDF5 (growth differentiation factor 5; minus strand), GDF5-AS1 (GDF5 antisense RNA 1; plus strand). Cytogenetic location: 20q11.22.
Variant type: Deletion.
Coding change: c.1144del on transcript NM_000557.5 (MANE Select); coding-DNA position 1144, one base deleted (G; older notation c.1144delG).
Protein change: p.Ala382fs; shifts the reading frame from alanine 382.
Molecular consequence: frameshift variant. On other transcripts: non-coding transcript variant (1).
Genome position (GRCh38, 1-based): chr20:35,434,271, C deleted on the plus strand (G on the coding strand, the reverse complement: GDF5 is on the minus strand); the first of 3 consecutive C bases (chr20:35,434,271-35,434,273); deleting any one gives the same sequence. VCF-style (leftmost placement, unchanged base first): chr20-35434270-GC-G. GRCh37 (hg19) VCF-style: chr20-34022068-GC-G.
Other names: c.1144del, p.Ala382fs (NM_001319138.2); short protein forms A382fs.
Identifiers: ClinVar variation 623302 (VCV000623302.10), dbSNP rs1568731526, ClinGen allele CA913184959.
Genomic context (GRCh38, chr20:35,434,270, plus strand): 5'-CGACTGCAGCGAGCCTTAAGGTTCTTGCTGGGTCGCTTGCCCTGGCGAGTGGCCAGTGGG[GC>G]CCGCCGTTTTCGCCGCTGGCTGAACAGGTACTCATACACGGTCTTATCGTCCTGGCCAGA-3'

ClinVar aggregate classification (germline): Pathogenic/Likely pathogenic. Review status: criteria provided, multiple submitters, no conflicts (2 of 4 stars). 4 submissions from 4 submitters: Pathogenic (1); Likely pathogenic (1). 2 of the submissions do not count toward it. Last evaluated 2026-02-08.

Conditions:
Grebe syndrome. Also called: ACROMESOMELIC DYSPLASIA, GREBE TYPE; ACROMESOMELIC DYSPLASIA 2A; GREBE DYSPLASIA. Identifiers: Orphanet 2098, MedGen C0265260, MONDO:0008703, OMIM 200700.

Submissions (4):

GeneDx
Classification: Likely pathogenic. Last evaluated: 2026-02-08. Review status: criteria provided, single submitter. Criteria: GeneDx Variant Classification Process June 2021. Collection method: clinical testing. Allele origin: germline.
Comment: Frameshift variant predicted to result in abnormal protein length as the last 120 amino acid(s) are replaced with 70 different amino acid(s), and other similar variants have been reported in HGMD; Not observed at significant frequency in large population cohorts (gnomAD); This variant is associated with the following publications: (PMID: 9489798, 12900894, 9288098)

Labcorp Genetics (formerly Invitae), Labcorp
Classification: Pathogenic. Last evaluated: 2023-11-17. Review status: criteria provided, single submitter. Criteria: Invitae Variant Classification Sherloc (09022015). Collection method: clinical testing. Allele origin: germline.
Comment: This sequence change creates a premature translational stop signal (p.Ala382Profs*71) in the GDF5 gene. While this is not anticipated to result in nonsense mediated decay, it is expected to disrupt the last 120 amino acid(s) of the GDF5 protein. This variant is not present in population databases (gnomAD no frequency). This premature translational stop signal has been observed in individuals with autosomal recessive acromesomelic dysplasia (PMID: 9288098, 12900894). It has also been observed to segregate with disease in related individuals. ClinVar contains an entry for this variant (Variation ID: 623302). For these reasons, this variant has been classified as Pathogenic.

Department of Genetics, Sultan Qaboos University Hospital
Classification: Pathogenic for Grebe syndrome. Last evaluated: 2024-06-12. Review status: no assertion criteria provided. Collection method: curation. Allele origin: unknown. Affected: yes. Not counted in ClinVar's aggregate classification.

OMIM
Classification: Pathogenic for ACROMESOMELIC DYSPLASIA 2A. Last evaluated: 2003-08-15. Review status: no assertion criteria provided. Collection method: literature only. Allele origin: germline. Not counted in ClinVar's aggregate classification.

Literature cited by the submitters: PubMed 9288098 (cited by Labcorp Genetics (formerly Invitae), Labcorp); PubMed 12900894 (cited by Labcorp Genetics (formerly Invitae), Labcorp and OMIM).